The following is an entry in ClinVar:

ClinVar aggregate classification (germline): Benign. Review status: criteria provided, multiple submitters, no conflicts (2 of 4 stars). 2 submissions from 2 submitters: Benign (2). Last evaluated 2018-06-14.

Allele frequency attached by ClinVar (database versions not stated): 1000 Genomes Project 0.09904; 1000 Genomes Project 30x 0.10369; gnomAD 0.12621 and 0.13063; TOPMed 0.12886.
gnomAD v4.1: 19,197 of 152,224 alleles (13%); highest among the groups gnomAD compares: African/African-American, 18%; 1,368 homozygotes.

Submissions (2):

GeneDx
Classification: Benign. Last evaluated: 2018-06-14. Review status: criteria provided, single submitter. Criteria: GeneDx Variant Classification (06012015). Collection method: clinical testing. Allele origin: germline. Affected: yes.
Comment: This variant is considered likely benign or benign based on one or more of the following criteria: it is a conservative change, it occurs at a poorly conserved position in the protein, it is predicted to be benign by multiple in silico algorithms, and/or has population frequency not consistent with disease.

Breakthrough Genomics
Classification: Benign. Review status: criteria provided, single submitter. Criteria: ACMG Guidelines, 2015. Collection method: not provided. Allele origin: germline. Inheritance: Autosomal recessive inheritance. Affected: yes.

NM_001130987.2(DYSF):c.1576+253T>A

Gene: DYSF (dysferlin; plus strand). Cytogenetic location: 2p13.2.
Variant type: single nucleotide variant.
Coding change: c.1576+253T>A on transcript NM_001130987.2 (MANE Select); 253 bases into the intron after coding-DNA position 1576, T replaced by A.
Molecular consequence: intron variant.
Genome position (GRCh38, 1-based): chr2:71,539,492, T>A. VCF-style: chr2-71539492-T-A. GRCh37 (hg19) VCF-style: chr2-71766622-T-A.
Other names: c.1573+253T>A (NM_001130979.2, NM_001130981.2, NM_001130980.2); c.1480+253T>A (NM_001130978.2, NM_003494.4, NM_001130977.2 and 1 more transcripts); c.1576+253T>A (NM_001130982.2, NM_001130985.2); c.1483+253T>A (NM_001130983.2, NM_001130455.2, NM_001130984.2 and 1 more transcripts).
Identifiers: ClinVar variation 668123 (VCV000668123.2), dbSNP rs78115186, ClinGen allele CA11319897.